The following is an entry in ClinVar:

NM_000293.3(PHKB):c.1881-3dup

Gene: PHKB (phosphorylase kinase regulatory subunit beta; plus strand). Cytogenetic location: 16q12.1.
Variant type: Duplication.
Coding change: c.1881-3dup on transcript NM_000293.3 (MANE Select); 3 bases into the intron before coding-DNA position 1881, one base duplicated (T; older notation c.1881-3dupT).
Molecular consequence: intron variant.
Genome position (GRCh38, 1-based): chr16:47,650,828, T duplicated; the last of 6 consecutive T bases (chr16:47,650,823-47,650,828); duplicating any one gives the same sequence. VCF-style (leftmost placement, unchanged base first): chr16-47650822-A-AT. GRCh37 (hg19) VCF-style: chr16-47684733-A-AT.
Other names: c.1881-3dupT (NM_000293.3); c.1881-3dup (NM_001363837.1); c.1860-3dup (NM_001031835.3).
Identifiers: ClinVar variation 4687126 (VCV004687126.1).

ClinVar aggregate classification (germline): Uncertain significance (1 of 4 stars; one submission).

Submission:

Women's Health and Genetics/Laboratory Corporation of America, LabCorp
Classification: Uncertain significance. Last evaluated: 2025-10-21. Review status: criteria provided, single submitter. Criteria: LabCorp Variant Classification Summary - May 2015. Collection method: clinical testing. Allele origin: germline.
Comment: Variant summary: PHKB c.1881-3dupT alters a nucleotide located close to a canonical splice site and therefore could affect mRNA splicing, leading to a significantly altered protein sequence. Consensus agreement among computation tools predicts no significant impact on normal splicing. However, these predictions have yet to be confirmed by functional studies. The variant allele was found at a frequency of 2.5e-06 in 1593372 control chromosomes in the gnomAD database (v4.1 dataset). The available data on variant occurrences in the general population are insufficient to allow any conclusion about variant significance. To our knowledge, no occurrence of c.1881-3dupT in individuals affected with PHKB-related conditions and no experimental evidence demonstrating its impact on protein function have been reported. No submitters have cited clinical-significance assessments for this variant to ClinVar. Based on the evidence outlined above, the variant was classified as uncertain significance.